The following is an entry in ClinVar:

NM_000238.4(KCNH2):c.200A>G (p.Asp67Gly)

Gene: KCNH2 (potassium voltage-gated channel subfamily H member 2; minus strand). Cytogenetic location: 7q36.1.
Variant type: single nucleotide variant.
Coding change: c.200A>G on transcript NM_000238.4 (MANE Select); coding-DNA position 200, A replaced by G.
Protein change: p.Asp67Gly; replaces aspartic acid 67 with glycine.
Molecular consequence: missense variant.
Genome position (GRCh38, 1-based): chr7:150,974,818, T>C on the plus strand (A>G on the coding strand, the complement: KCNH2 is on the minus strand). VCF-style: chr7-150974818-T-C. GRCh37 (hg19) VCF-style: chr7-150671906-T-C.
Other names: c.23A>G, p.Asp8Gly (NM_001406755.1); c.200A>G, p.Asp67Gly (NM_172056.3); short protein forms D67G, D8G.
Identifiers: ClinVar variation 1047548 (VCV001047548.9), dbSNP rs1801935588, ClinGen allele CA369865634.

ClinVar aggregate classification (germline): Uncertain significance (1 of 4 stars; one submission).

Conditions:
Long QT syndrome (LQTS). Identifiers: MedGen C0023976, MeSH D008133, MONDO:0002442. Disease mechanism: loss of function. Inheritance: Various modes of inheritance.

Submission:

Labcorp Genetics (formerly Invitae), Labcorp
Classification: Uncertain significance for Long QT syndrome. Last evaluated: 2020-10-09. Review status: criteria provided, single submitter. Criteria: Invitae Variant Classification Sherloc (09022015). Collection method: clinical testing. Allele origin: germline.
Comment: In summary, the available evidence is currently insufficient to determine the role of this variant in disease. Therefore, it has been classified as a Variant of Uncertain Significance. Algorithms developed to predict the effect of missense changes on protein structure and function are either unavailable or do not agree on the potential impact of this missense change (SIFT: "Tolerated"; PolyPhen-2: "Possibly Damaging"; Align-GVGD: "Class C0"). This variant has not been reported in the literature in individuals with KCNH2-related conditions. This variant is not present in population databases (ExAC no frequency). This sequence change replaces aspartic acid with glycine at codon 67 of the KCNH2 protein (p.Asp67Gly). The aspartic acid residue is weakly conserved and there is a moderate physicochemical difference between aspartic acid and glycine.